The following is an entry in ClinVar:

ClinVar aggregate classification (germline): Uncertain significance. Review status: criteria provided, multiple submitters, no conflicts (2 of 4 stars). 2 submissions from 2 submitters: Uncertain significance (2). Last evaluated 2025-08-20.

Allele frequency attached by ClinVar (database versions not stated): gnomAD exomes 0.00001; ExAC 0.00002; gnomAD 0.00005 and 0.00006; TOPMed 0.00005.
gnomAD v4.1: 17 of 1,209,201 alleles (0.0014%); highest among the groups gnomAD compares: East Asian, 0.0059%; no homozygotes.

Submissions (2):

Labcorp Genetics (formerly Invitae), Labcorp
Classification: Uncertain significance. Last evaluated: 2025-08-20. Review status: criteria provided, single submitter. Criteria: Invitae Variant Classification Sherloc (09022015). Collection method: clinical testing. Allele origin: germline.
Comment: This sequence change replaces arginine, which is basic and polar, with histidine, which is basic and polar, at codon 1449 of the NEXMIF protein (p.Arg1449His). This variant is present in population databases (rs778760434, gnomAD 0.008%), including at least one homozygous and/or hemizygous individual. This variant has not been reported in the literature in individuals affected with NEXMIF-related conditions. ClinVar contains an entry for this variant (Variation ID: 640014). An algorithm developed to predict the effect of missense changes on protein structure and function (PolyPhen-2) suggests that this variant is likely to be disruptive. In summary, the available evidence is currently insufficient to determine the role of this variant in disease. Therefore, it has been classified as a Variant of Uncertain Significance.

Ambry Genetics
Classification: Uncertain significance. Last evaluated: 2024-04-04. Review status: criteria provided, single submitter. Criteria: Ambry Variant Classification Scheme 2023. Collection method: clinical testing. Allele origin: germline.

NM_001008537.3(NEXMIF):c.4346G>A (p.Arg1449His)

Gene: NEXMIF (neurite extension and migration factor; minus strand). Cytogenetic location: Xq13.3.
Variant type: single nucleotide variant.
Coding change: c.4346G>A on transcript NM_001008537.3 (MANE Select); coding-DNA position 4346, G replaced by A.
Protein change: p.Arg1449His; replaces arginine 1449 with histidine.
Molecular consequence: missense variant.
Genome position (GRCh38, 1-based): chrX:74,740,211, C>T on the plus strand (G>A on the coding strand, the complement: NEXMIF is on the minus strand). VCF-style: chrX-74740211-C-T. GRCh37 (hg19) VCF-style: chrX-73960046-C-T.
Other names: short protein forms R1449H.
Identifiers: ClinVar variation 640014 (VCV000640014.11), dbSNP rs778760434, ClinGen allele CA10454840.